The following is an entry in ClinVar:

ClinVar aggregate classification (germline): Uncertain significance (1 of 4 stars; one submission).

Conditions:
Spastic paraplegia. Identifiers: MedGen C0037772, HP:0001258.

Allele frequency attached by ClinVar (database versions not stated): TOPMed below 0.00001; gnomAD 0.00001; gnomAD exomes 0.00003.
gnomAD v4.1: 19 of 1,614,048 alleles (0.0012%); highest among the groups gnomAD compares: Middle Eastern, 0.033%; no homozygotes.

Submission:

Labcorp Genetics (formerly Invitae), Labcorp
Classification: Uncertain significance for Spastic paraplegia. Last evaluated: 2025-09-08. Review status: criteria provided, single submitter. Criteria: Invitae Variant Classification Sherloc (09022015). Collection method: clinical testing. Allele origin: germline.
Comment: This sequence change falls in intron 5 of the AP4S1 gene. It does not directly change the encoded amino acid sequence of the AP4S1 protein. It affects a nucleotide within the consensus splice site. This variant is present in population databases (no rsID available, gnomAD 0.009%). This variant has not been reported in the literature in individuals affected with AP4S1-related conditions. ClinVar contains an entry for this variant (Variation ID: 1062031). Variants that disrupt the consensus splice site are a relatively common cause of aberrant splicing (PMID: 17576681, 9536098). Algorithms developed to predict the effect of sequence changes on RNA splicing suggest that this variant may disrupt the consensus splice site. In summary, the available evidence is currently insufficient to determine the role of this variant in disease. Therefore, it has been classified as a Variant of Uncertain Significance.

Literature cited by the submitters: PubMed 17576681; PubMed 9536098.

NM_001128126.3(AP4S1):c.306+4182T>A

Gene: AP4S1 (adaptor related protein complex 4 subunit sigma 1; plus strand). Cytogenetic location: 14q12.
Variant type: single nucleotide variant.
Coding change: c.306+4182T>A on transcript NM_001128126.3 (MANE Select); 4182 bases into the intron after coding-DNA position 306, T replaced by A.
Molecular consequence: intron variant.
Genome position (GRCh38, 1-based): chr14:31,084,766, T>A. VCF-style: chr14-31084766-T-A. GRCh37 (hg19) VCF-style: chr14-31553972-T-A.
Other names: c.306+4182T>A (NM_001254729.2, NM_001254728.2); c.*39-3T>A (NM_001254727.2); c.367-3T>A (NM_007077.5); c.295-3T>A (NM_001254726.2).
Identifiers: ClinVar variation 1062031 (VCV001062031.5), dbSNP rs913347896, ClinGen allele CA258586321.